The following is an entry in ClinVar:

ClinVar aggregate classification (germline): Uncertain significance (1 of 4 stars; one submission).

Conditions:
Immunodeficiency, common variable, 4. Also called: ANTIBODY DEFICIENCY DUE TO BAFFR DEFECT. Identifiers: Orphanet 1572, Orphanet 696925, MedGen C3150739, MONDO:0013284, OMIM 613494.

Submission:

Labcorp Genetics (formerly Invitae), Labcorp
Classification: Uncertain significance for Immunodeficiency, common variable, 4. Last evaluated: 2026-01-11. Review status: criteria provided, single submitter. Criteria: Invitae Variant Classification Sherloc (09022015). Collection method: clinical testing. Allele origin: germline.
Comment: This variant, c.329_331dup, results in the insertion of 1 amino acid(s) of the TNFRSF13C protein (p.Gly110dup), but otherwise preserves the integrity of the reading frame. This variant is present in population databases (rs746833484, gnomAD 0.003%). This variant has not been reported in the literature in individuals affected with TNFRSF13C-related conditions. Experimental studies and prediction algorithms are not available or were not evaluated, and the functional significance of this variant is currently unknown. In summary, the available evidence is currently insufficient to determine the role of this variant in disease. Therefore, it has been classified as a Variant of Uncertain Significance.

NM_052945.4(TNFRSF13C):c.326GCG[3] (p.Gly110dup)

Genes: TNFRSF13C (TNF receptor superfamily member 13C; minus strand), LOC130067574 (ATAC-STARR-seq lymphoblastoid silent region 13813; plus strand). Cytogenetic location: 22q13.2.
Variant type: Microsatellite.
Coding change: c.326GCG[3] on transcript NM_052945.4 (MANE Select); three copies in a row of the 3-base unit GCG starting at c.326; the reference has two copies in a row; one copy, 3 bases duplicated.
Protein change: p.Gly110dup; duplicates glycine 110.
Molecular consequence: inframe insertion.
Genome position (GRCh38, 1-based): chr22:41,926,137-41,926,139, CGC duplicated on the plus strand (GCG on the coding strand, the reverse complement: TNFRSF13C is on the minus strand); duplicating any 3 consecutive bases within chr22:41,926,137-41,926,142 gives the same sequence; the position shown is the placement nearest the transcript's 3' end. VCF-style (leftmost placement, unchanged base first): chr22-41926136-G-GCGC. GRCh37 (hg19) VCF-style: chr22-42322140-G-GCGC.
Identifiers: ClinVar variation 1476123 (VCV001476123.6), dbSNP rs746833484, ClinGen allele CA10262479.